The following is an entry in ClinVar:

NM_001352027.3(PHF21A):c.341C>T (p.Pro114Leu)

Gene: PHF21A (PHD finger protein 21A; minus strand). Cytogenetic location: 11p11.2.
Variant type: single nucleotide variant.
Coding change: c.341C>T on transcript NM_001352027.3 (MANE Select); coding-DNA position 341, C replaced by T.
Protein change: p.Pro114Leu; replaces proline 114 with leucine.
Molecular consequence: missense variant. On other transcripts: non-coding transcript variant (2).
Genome position (GRCh38, 1-based): chr11:45,979,779, G>A on the plus strand (C>T on the coding strand, the complement: PHF21A is on the minus strand). VCF-style: chr11-45979779-G-A. GRCh37 (hg19) VCF-style: chr11-46001330-G-A.
Other names: c.341C>T, p.Pro114Leu (NM_001101802.3, NM_001352025.3, NM_001352026.3 and 6 more transcripts); short protein forms P114L.
Identifiers: ClinVar variation 2499731 (VCV002499731.1), dbSNP rs2498643634, ClinGen allele CA380214062.
Genomic context (GRCh38, chr11:45,979,779, plus strand): 5'-TCTACAATCTGCAGCCTGCAATGTTCCATCCACACATTTACCTGTGAAGCAGTCAGGTTG[G>A]GAGAGGCTGCAGCTGACTGCTGGGCGTGGTGGTGGTGGTACTGCTGCTGTTGTTGTAGTT-3'
Protein context (NP_001338956.1, residues 104-124): HHAQQSAAAS[Pro114Leu]NLTASQKTVT

ClinVar aggregate classification (germline): Uncertain significance (1 of 4 stars; one submission).

Submission:

GeneDx
Classification: Uncertain significance. Last evaluated: 2022-10-19. Review status: criteria provided, single submitter. Criteria: GeneDx Variant Classification Process June 2021. Collection method: clinical testing. Allele origin: germline. Affected: yes.
Comment: Not observed at significant frequency in large population cohorts (gnomAD); In silico analysis supports that this missense variant has a deleterious effect on protein structure/function; Has not been previously published as pathogenic or benign to our knowledge